The following is an entry in ClinVar:

NM_001232.4(CASQ2):c.939+256G>T

Gene: CASQ2 (calsequestrin 2; minus strand). Cytogenetic location: 1p13.1.
Variant type: single nucleotide variant.
Coding change: c.939+256G>T on transcript NM_001232.4 (MANE Select); 256 bases into the intron after coding-DNA position 939, G replaced by T.
Molecular consequence: intron variant.
Genome position (GRCh38, 1-based): chr1:115,704,936, C>A on the plus strand (G>T on the coding strand, the complement: CASQ2 is on the minus strand). VCF-style: chr1-115704936-C-A. GRCh37 (hg19) VCF-style: chr1-116247557-C-A.
Other names: NC_000001.10:g.116247557C>A.
Identifiers: ClinVar variation 683839 (VCV000683839.2), dbSNP rs3811004, ClinGen allele CA29614224.

ClinVar aggregate classification (germline): Benign (1 of 4 stars; one submission).

Allele frequency attached by ClinVar (database versions not stated): 1000 Genomes Project 30x 0.20878; 1000 Genomes Project 0.21605.

Submissions (2):

GeneDx
Classification: Benign. Last evaluated: 2018-06-18. Review status: criteria provided, single submitter. Criteria: GeneDx Variant Classification (06012015). Collection method: clinical testing. Allele origin: germline. Affected: yes.
Comment: This variant is considered likely benign or benign based on one or more of the following criteria: it is a conservative change, it occurs at a poorly conserved position in the protein, it is predicted to be benign by multiple in silico algorithms, and/or has population frequency not consistent with disease.

Dr. Peter K. Rogan Lab, Western University
No classification provided (evidence only). Condition: Uterine carcinosarcoma. Review status: no classification provided. Collection method: in vitro. Allele origin: not applicable. Functional consequence: retained intron. Not counted in ClinVar's aggregate classification.